The following is an entry in ClinVar:

NM_177965.4(CFAP418):c.392G>A (p.Arg131His)

Gene: CFAP418 (cilia and flagella associated protein 418; minus strand). Cytogenetic location: 8q22.1.
Variant type: single nucleotide variant.
Coding change: c.392G>A on transcript NM_177965.4 (MANE Select); coding-DNA position 392, G replaced by A.
Protein change: p.Arg131His; replaces arginine 131 with histidine.
Molecular consequence: missense variant. On other transcripts: intron variant (1).
Genome position (GRCh38, 1-based): chr8:95,252,266, C>T on the plus strand (G>A on the coding strand, the complement: CFAP418 is on the minus strand). VCF-style: chr8-95252266-C-T. GRCh37 (hg19) VCF-style: chr8-96264494-C-T.
Other names: c.375-4496G>A (NM_001363260.1); short protein forms R131H.
Identifiers: ClinVar variation 725033 (VCV000725033.15), dbSNP rs139137766, ClinGen allele CA4815148.

ClinVar aggregate classification (germline): Likely benign. Review status: criteria provided, multiple submitters, no conflicts (2 of 4 stars). 4 submissions from 4 submitters: Likely benign (3). 1 of the submissions does not count toward it. Last evaluated 2025-12-29.

Conditions:
CFAP418-related disorder. Also called: CFAP418-related condition.

Allele frequency attached by ClinVar (database versions not stated): gnomAD exomes 0.00021; ExAC 0.00026; 1000 Genomes Project 30x 0.00031; 1000 Genomes Project 0.00040; ESP Exome Variant Server 0.00077; gnomAD 0.00079 and 0.00083; TOPMed 0.00093.
gnomAD v4.1: 263 of 1,613,002 alleles (0.016%); highest among the groups gnomAD compares: African/African-American, 0.28%; 3 homozygotes.

Submissions (4):

Labcorp Genetics (formerly Invitae), Labcorp
Classification: Likely benign. Last evaluated: 2025-12-29. Review status: criteria provided, single submitter. Criteria: Invitae Variant Classification Sherloc (09022015). Collection method: clinical testing. Allele origin: germline.

Blueprint Genetics
Classification: Likely benign. Last evaluated: 2024-08-09. Review status: criteria provided, single submitter. Criteria: ACMG Guidelines, 2015. Collection method: clinical testing. Allele origin: germline.

Breakthrough Genomics
Classification: Likely benign. Review status: criteria provided, single submitter. Criteria: ACMG Guidelines, 2015. Collection method: not provided. Allele origin: germline. Inheritance: Unknown mechanism. Affected: yes.

PreventionGenetics, part of Exact Sciences
Classification: Likely benign for CFAP418-related condition. Last evaluated: 2022-01-19. Review status: no assertion criteria provided. Collection method: clinical testing. Allele origin: germline. Not counted in ClinVar's aggregate classification.
Comment: This variant is classified as likely benign based on ACMG/AMP sequence variant interpretation guidelines (Richards et al. 2015 PMID: 25741868, with internal and published modifications).